The following is an entry in ClinVar:

ClinVar aggregate classification (germline): Uncertain significance (1 of 4 stars; one submission).

Conditions:
Left ventricular noncompaction 7 (LVNC7). Identifiers: Orphanet 54260, MedGen C3554496, MONDO:0014042, OMIM 615092.

Submission:

Juno Genomics, Hangzhou Juno Genomics, Inc
Classification: Uncertain significance for Left ventricular noncompaction 7. Review status: criteria provided, single submitter. Criteria: ACMG Guidelines, 2015. Collection method: clinical testing. Allele origin: germline.
Comment: Absent from controls (or at extremely low frequency if recessive) in Genome Aggregation Database.

NM_020774.4(MIB1):c.2162dup (p.Met721fs)

Gene: MIB1 (MIB E3 ubiquitin protein ligase 1; plus strand). Cytogenetic location: 18q11.2.
Variant type: Duplication.
Coding change: c.2162dup on transcript NM_020774.4 (MANE Select); coding-DNA position 2162, one base duplicated (T; older notation c.2162dupT).
Protein change: p.Met721fs; shifts the reading frame from methionine 721.
Molecular consequence: frameshift variant.
Genome position (GRCh38, 1-based): chr18:21,844,204, T duplicated. VCF-style (leftmost placement, unchanged base first): chr18-21844203-A-AT. GRCh37 (hg19) VCF-style: chr18-19424164-A-AT.
Other names: short protein forms M721fs.
Identifiers: ClinVar variation 5005867 (VCV005005867.2).